The following is an entry in ClinVar:

ClinVar aggregate classification (germline): Uncertain significance. Review status: criteria provided, multiple submitters, no conflicts (2 of 4 stars). 2 submissions from 2 submitters: Uncertain significance (2). Last evaluated 2026-09-24.

Conditions:
Inborn genetic diseases. Identifiers: MedGen C0950123, MeSH D030342.

gnomAD v4.1: 5 of 1,613,632 alleles (0.00031%); highest among the groups gnomAD compares: African/African-American, 0.0053%; no homozygotes.

Submissions (2):

GeneDx
Classification: Uncertain significance. Last evaluated: 2026-09-24. Review status: criteria provided, single submitter. Criteria: GeneDx Variant Classification Process June 2021. Collection method: clinical testing. Allele origin: germline.
Comment: In silico analysis supports that this missense variant has a deleterious effect on protein structure/function; Has not been previously published as pathogenic or benign to our knowledge

Ambry Genetics
Classification: Uncertain significance for Inborn genetic diseases. Last evaluated: 2025-03-30. Review status: criteria provided, single submitter. Criteria: Ambry Variant Classification Scheme 2023. Collection method: clinical testing. Allele origin: germline.

NM_000478.6(ALPL):c.425C>T (p.Thr142Ile)

Gene: ALPL (alkaline phosphatase, biomineralization associated; plus strand). Cytogenetic location: 1p36.12.
Variant type: single nucleotide variant.
Coding change: c.425C>T on transcript NM_000478.6 (MANE Select); coding-DNA position 425, C replaced by T.
Protein change: p.Thr142Ile; replaces threonine 142 with isoleucine.
Molecular consequence: missense variant.
Genome position (GRCh38, 1-based): chr1:21,563,237, C>T. VCF-style: chr1-21563237-C-T. GRCh37 (hg19) VCF-style: chr1-21889730-C-T.
Other names: c.260C>T, p.Thr87Ile (NM_001127501.4); c.194C>T, p.Thr65Ile (NM_001177520.3); c.425C>T, p.Thr142Ile (NM_001369803.2, NM_001369804.2, NM_001369805.2); short protein forms T142I, T65I, T87I.
Identifiers: ClinVar variation 3367813 (VCV003367813.3).